The following is an entry in ClinVar:

ClinVar aggregate classification (germline): Uncertain significance. Review status: criteria provided, multiple submitters, no conflicts (2 of 4 stars). 3 submissions from 2 submitters: Uncertain significance (3). Last evaluated 2022-09-03.

Conditions:
Hereditary cancer-predisposing syndrome. Also called: Tumor predisposition; Hereditary Cancer Syndrome; Hereditary neoplastic syndrome; Neoplastic Syndromes, Hereditary. Identifiers: Orphanet 140162, MedGen C0027672, MeSH D009386, MONDO:0015356.
Cardiovascular phenotype. Identifiers: MedGen CN230736.
Neurofibromatosis, type 1 (NF1). Also called: VON RECKLINGHAUSEN DISEASE; NEUROFIBROMATOSIS, TYPE I, SOMATIC; Peripheral type neurofibromatosis; Neurofibromatosis, type I. Identifiers: Orphanet 636, MedGen C0027831, MONDO:0018975, OMIM 162200. Disease mechanism: loss of function.

Allele frequency attached by ClinVar (database versions not stated): gnomAD below 0.00001 and 0.00001.
gnomAD v4.1: 1 of 1,603,706 alleles (0.000062%); highest among the groups gnomAD compares: South Asian, 0.0011%; no homozygotes.

Submissions (3):

Labcorp Genetics (formerly Invitae), Labcorp
Classification: Uncertain significance for Neurofibromatosis, type 1. Last evaluated: 2022-09-03. Review status: criteria provided, single submitter. Criteria: Invitae Variant Classification Sherloc (09022015). Collection method: clinical testing. Allele origin: germline.
Comment: This variant has not been reported in the literature in individuals affected with NF1-related conditions. In summary, the available evidence is currently insufficient to determine the role of this variant in disease. Therefore, it has been classified as a Variant of Uncertain Significance. Advanced modeling of protein sequence and biophysical properties (such as structural, functional, and spatial information, amino acid conservation, physicochemical variation, residue mobility, and thermodynamic stability) performed at Invitae indicates that this missense variant is expected to disrupt NF1 protein function. ClinVar contains an entry for this variant (Variation ID: 233302). This variant is not present in population databases (gnomAD no frequency). This sequence change replaces valine, which is neutral and non-polar, with methionine, which is neutral and non-polar, at codon 1447 of the NF1 protein (p.Val1447Met).

Ambry Genetics
Classification: Uncertain significance for Cardiovascular phenotype; Hereditary cancer-predisposing syndrome. Last evaluated: 2016-08-02. Review status: criteria provided, single submitter. Criteria: Ambry Variant Classification Scheme 2023. Collection method: clinical testing. Allele origin: germline.

Ambry Genetics
Classification: Uncertain significance for Hereditary cancer-predisposing syndrome. Last evaluated: 2015-08-08. Review status: criteria provided, single submitter. Criteria: Ambry Autosomal Dominant and X-Linked criteria (10/2015). Collection method: clinical testing. Allele origin: germline. Observed: 1 variant allele.
Comment: The p.V1468M variant (also known as c.4402G>A), located in coding exon 33 of the NF1 gene, results from a G to A substitution at nucleotide position 4402. The valine at codon 1468 is replaced by methionine, an amino acid with highly similar properties. This variant was not reported in population based cohorts in the following databases: Database of Single Nucleotide Polymorphisms (dbSNP), NHLBI Exome Sequencing Project (ESP), and 1000 Genomes Project. In the ESP, this variant was not observed in 6499 samples (12998 alleles) with coverage at this position. To date, this alteration has been detected with an allele frequency of approximately 0.002% (greater than 55000alleles tested) in our clinical cohort.This amino acid position is highly conserved in available vertebrate species. In addition, this alteration is predicted to be deleterious by in silico analysis.Since supporting evidence is limited at this time, the clinical significance of p.V1468Mremains unclear.

NM_001042492.3(NF1):c.4402G>A (p.Val1468Met)

Gene: NF1 (neurofibromin 1; plus strand). Cytogenetic location: 17q11.2.
Variant type: single nucleotide variant.
Coding change: c.4402G>A on transcript NM_001042492.3 (MANE Select); coding-DNA position 4402, G replaced by A.
Protein change: p.Val1468Met; replaces valine 1468 with methionine.
Molecular consequence: missense variant.
Genome position (GRCh38, 1-based): chr17:31,259,101, G>A. VCF-style: chr17-31259101-G-A. GRCh37 (hg19) VCF-style: chr17-29586119-G-A.
Other names: c.4339G>A, p.Val1447Met (NM_000267.4); short protein forms V1447M, V1468M.
Identifiers: ClinVar variation 233302 (VCV000233302.9), dbSNP rs876660320, ClinGen allele CA10580314.